The following is an entry in ClinVar:

ClinVar aggregate classification (germline): Conflicting classifications of pathogenicity. Review status: criteria provided, conflicting classifications (1 of 4 stars). 2 submissions from 2 submitters: Uncertain significance (1); Likely benign (1). Last evaluated 2025-03-04.

gnomAD v4.1: 1 of 1,612,532 alleles (0.000062%); highest among the groups gnomAD compares: East Asian, 0.0022%; no homozygotes.

Submissions (2):

Labcorp Genetics (formerly Invitae), Labcorp
Classification: Likely benign. Last evaluated: 2025-03-04. Review status: criteria provided, single submitter. Criteria: Invitae Variant Classification Sherloc (09022015). Collection method: clinical testing. Allele origin: germline.

Women's Health and Genetics/Laboratory Corporation of America, LabCorp
Classification: Uncertain significance. Last evaluated: 2024-02-15. Review status: criteria provided, single submitter. Criteria: LabCorp Variant Classification Summary - May 2015. Collection method: clinical testing. Allele origin: germline.
Comment: Variant summary: COL11A2 c.2159G>C (p.Arg720Pro) results in a non-conservative amino acid change in the encoded protein sequence. Five of five in-silico tools predict a damaging effect of the variant on protein function. The variant allele was found at a frequency of 4.1e-06 in 246358 control chromosomes. The available data on variant occurrences in the general population are insufficient to allow any conclusion about variant significance. To our knowledge, no occurrence of c.2159G>C in individuals affected with COL11A2-Related Disorders and no experimental evidence demonstrating its impact on protein function have been reported. No submitters have cited clinical-significance assessments for this variant to ClinVar. Based on the evidence outlined above, the variant was classified as uncertain significance.

NM_080680.3(COL11A2):c.2159G>C (p.Arg720Pro)

Gene: COL11A2 (collagen type XI alpha 2 chain; minus strand). Cytogenetic location: 6p21.32.
Variant type: single nucleotide variant.
Coding change: c.2159G>C on transcript NM_080680.3 (MANE Select); coding-DNA position 2159, G replaced by C.
Protein change: p.Arg720Pro; replaces arginine 720 with proline.
Molecular consequence: missense variant.
Genome position (GRCh38, 1-based): chr6:33,176,443, C>G on the plus strand (G>C on the coding strand, the complement: COL11A2 is on the minus strand). VCF-style: chr6-33176443-C-G. GRCh37 (hg19) VCF-style: chr6-33144220-C-G.
Other names: c.1979G>C, p.Arg660Pro (NM_001424108.1); c.1313G>C, p.Arg438Pro (NM_001424109.1); c.1133G>C, p.Arg378Pro (NM_001424110.1, NM_001424111.1); c.113G>C, p.Arg38Pro (NM_001424112.1); c.1838G>C, p.Arg613Pro (NM_080679.3); c.1901G>C, p.Arg634Pro (NM_080681.3); short protein forms R634P, R438P, R660P, R720P, R38P, R378P, R613P.
Identifiers: ClinVar variation 2988006 (VCV002988006.6), dbSNP rs756050324, ClinGen allele CA363649815.